The following is an entry in ClinVar:

NM_000036.3(AMPD1):c.381+1G>C

Gene: AMPD1 (adenosine monophosphate deaminase 1; minus strand). Cytogenetic location: 1p13.2.
Variant type: single nucleotide variant.
Coding change: c.381+1G>C on transcript NM_000036.3 (MANE Select); the canonical splice donor site of the intron after coding-DNA position 381, G replaced by C.
Molecular consequence: splice donor variant.
Genome position (GRCh38, 1-based): chr1:114,686,744, C>G on the plus strand (G>C on the coding strand, the complement: AMPD1 is on the minus strand). VCF-style: chr1-114686744-C-G. GRCh37 (hg19) VCF-style: chr1-115229365-C-G.
Other names: c.369+1G>C (NM_001172626.2).
Identifiers: ClinVar variation 747527 (VCV000747527.16), dbSNP rs143303736, ClinGen allele CA1020457.
Genomic context (GRCh38, chr1:114,686,744, plus strand): 5'-TAGAACTGTCAAGCTGAATGGCTTCCTGGTTGCTAAGTCTGAGTGGCAAGGACCAACTCA[C>G]CCCAGAGGCATAGTCACCAGTAATCTGCACTCTCTGAAAATCAGGCACGGTCTGGTAGGT-3'

ClinVar aggregate classification (germline): Conflicting classifications of pathogenicity. Review status: criteria provided, conflicting classifications (1 of 4 stars). 4 submissions from 4 submitters: Uncertain significance (3); Likely benign (1). Last evaluated 2025-10-17.

Conditions:
Muscle AMP deaminase deficiency (MMDD). Also called: Adenosine monophosphate deaminase 1 deficiency; AMP deaminase 1 deficiency; Adenosine Monophosphate Deaminase 1; ADENOSINE MONOPHOSPHATE DEAMINASE-1 DEFICIENCY, MYOPATHY DUE TO; AMPD1 DEFICIENCY; Myoadenylate deaminase deficiency, myopathy due to. Identifiers: Orphanet 45, MedGen C3714933, MONDO:0014220, OMIM 615511.

Allele frequency attached by ClinVar (database versions not stated): gnomAD exomes 0.00011 and 0.00033; ExAC 0.00040; 1000 Genomes Project 0.00060; 1000 Genomes Project 30x 0.00062; gnomAD 0.00115 and 0.00125; TOPMed 0.00131; ESP Exome Variant Server 0.00161.

Submissions (4):

Labcorp Genetics (formerly Invitae), Labcorp
Classification: Likely benign for Muscle AMP deaminase deficiency. Last evaluated: 2025-10-17. Review status: criteria provided, single submitter. Criteria: Invitae Variant Classification Sherloc (09022015). Collection method: clinical testing. Allele origin: germline.

Blueprint Genetics
Classification: Uncertain significance. Last evaluated: 2024-08-22. Review status: criteria provided, single submitter. Criteria: ACMG Guidelines, 2015. Collection method: clinical testing. Allele origin: germline.

Revvity Omics, Revvity
Classification: Uncertain significance for Muscle AMP deaminase deficiency. Last evaluated: 2020-09-09. Review status: criteria provided, single submitter. Criteria: ACMG Guidelines, 2015. Collection method: clinical testing. Allele origin: germline.

GeneDx
Classification: Uncertain significance. Last evaluated: 2019-10-09. Review status: criteria provided, single submitter. Criteria: GeneDx Variant Classification Process June 2021. Collection method: clinical testing. Allele origin: germline. Affected: yes.
Comment: Canonical splice site variant in a gene for which loss-of-function is a known mechanism of disease; Has not been previously published as pathogenic or benign to our knowledge